The following is an entry in ClinVar:

ClinVar aggregate classification (germline): Benign/Likely benign. Review status: criteria provided, multiple submitters, no conflicts (2 of 4 stars). 4 submissions from 4 submitters: Benign (1); Likely benign (3). Last evaluated 2025-04-27.

Conditions:
Familial cancer of breast. Also called: BREAST CANCER, FAMILIAL; Hereditary breast cancer; hereditary breast carcinoma. Identifiers: Orphanet 227535, MedGen C0346153, MONDO:0016419, OMIM 114480. Disease mechanism: loss of function.
Hereditary cancer-predisposing syndrome. Also called: Neoplastic Syndromes, Hereditary; Tumor predisposition; Hereditary Cancer Syndrome; Hereditary neoplastic syndrome. Identifiers: Orphanet 140162, MedGen C0027672, MeSH D009386, MONDO:0015356.

Submissions (4):

Labcorp Genetics (formerly Invitae), Labcorp
Classification: Likely benign for Familial cancer of breast. Last evaluated: 2025-04-27. Review status: criteria provided, single submitter. Criteria: Invitae Variant Classification Sherloc (09022015). Collection method: clinical testing. Allele origin: germline.

Myriad Genetics, Inc.
Classification: Benign for Familial cancer of breast. Last evaluated: 2024-10-08. Review status: criteria provided, single submitter. Criteria: Myriad Autosomal Dominant, Autosomal Recessive and X-Linked Classification Criteria (2023). Collection method: clinical testing. Allele origin: unknown.
Comment: This variant is considered benign. This variant is a silent/synonymous amino acid change and it is not expected to impact splicing.

Color Diagnostics, LLC DBA Color Health
Classification: Likely benign for Hereditary cancer-predisposing syndrome. Last evaluated: 2019-03-19. Review status: criteria provided, single submitter. Criteria: ACMG Guidelines, 2015. Collection method: clinical testing. Allele origin: germline.

Ambry Genetics
Classification: Likely benign for Hereditary cancer-predisposing syndrome. Last evaluated: 2016-05-04. Review status: criteria provided, single submitter. Criteria: Ambry Variant Classification Scheme 2023. Collection method: clinical testing. Allele origin: germline.

NM_007194.4(CHEK2):c.1359A>G (p.Ala453=)

Gene: CHEK2 (checkpoint kinase 2; minus strand). Cytogenetic location: 22q12.1.
Variant type: single nucleotide variant.
Coding change: c.1359A>G on transcript NM_007194.4 (MANE Select); coding-DNA position 1359, A replaced by G.
Protein change: p.Ala453=; no amino-acid change (alanine 453 retained).
Molecular consequence: synonymous variant.
Genome position (GRCh38, 1-based): chr22:28,695,143, T>C on the plus strand (A>G on the coding strand, the complement: CHEK2 is on the minus strand). VCF-style: chr22-28695143-T-C. GRCh37 (hg19) VCF-style: chr22-29091131-T-C.
Other names: c.1488A>G, p.Ala496= (NM_001005735.3); c.696A>G, p.Ala232= (NM_001257387.3); c.1158A>G, p.Ala386= (NM_001349956.3); c.1272A>G, p.Ala424= (NM_145862.3).
Identifiers: ClinVar variation 483356 (VCV000483356.11), dbSNP rs1555913419, ClinGen allele CA513944797.